The following is an entry in ClinVar:

ClinVar aggregate classification (germline): Uncertain significance (1 of 4 stars; one submission).

Submission:

Labcorp Genetics (formerly Invitae), Labcorp
Classification: Uncertain significance. Last evaluated: 2024-06-24. Review status: criteria provided, single submitter. Criteria: Invitae Variant Classification Sherloc (09022015). Collection method: clinical testing. Allele origin: germline.
Comment: This sequence change replaces serine, which is neutral and polar, with phenylalanine, which is neutral and non-polar, at codon 353 of the BMP1 protein (p.Ser353Phe). This variant is not present in population databases (gnomAD no frequency). This variant has not been reported in the literature in individuals affected with BMP1-related conditions. ClinVar contains an entry for this variant (Variation ID: 2114610). Advanced modeling of protein sequence and biophysical properties (such as structural, functional, and spatial information, amino acid conservation, physicochemical variation, residue mobility, and thermodynamic stability) performed at Invitae indicates that this missense variant is expected to disrupt BMP1 protein function with a positive predictive value of 80%. In summary, the available evidence is currently insufficient to determine the role of this variant in disease. Therefore, it has been classified as a Variant of Uncertain Significance.

NM_006129.5(BMP1):c.1058C>T (p.Ser353Phe)

Gene: BMP1 (bone morphogenetic protein 1; plus strand). Cytogenetic location: 8p21.3.
Variant type: single nucleotide variant.
Coding change: c.1058C>T on transcript NM_006129.5 (MANE Select); coding-DNA position 1058, C replaced by T.
Protein change: p.Ser353Phe; replaces serine 353 with phenylalanine.
Molecular consequence: missense variant. On other transcripts: non-coding transcript variant (2).
Genome position (GRCh38, 1-based): chr8:22,180,464, C>T. VCF-style: chr8-22180464-C-T. GRCh37 (hg19) VCF-style: chr8-22037977-C-T.
Other names: c.1058C>T, p.Ser353Phe (NM_001199.4); short protein forms S353F.
Identifiers: ClinVar variation 2114610 (VCV002114610.4), dbSNP rs2538985693, ClinGen allele CA370544160.
Genomic context (GRCh38, chr8:22,180,464, plus strand): 5'-TCTCCTCCCCTGAATACCCCAATGGCTACTCTGCTCACATGCACTGCGTGTGGCGCATCT[C>T]TGTCACACCCGGGGAGAAGGTACGTGTGGGCTCAGCCTCTGAGCCTCCCCCTCCCCTGCG-3'
Protein context (NP_006120.1, residues 343-363): SAHMHCVWRI[Ser353Phe]VTPGEKIILN